The following is an entry in ClinVar:

NM_000043.6(FAS):c.796A>C (p.Asn266His)

Gene: FAS (Fas cell surface death receptor; plus strand). Cytogenetic location: 10q23.31.
Variant type: single nucleotide variant.
Coding change: c.796A>C on transcript NM_000043.6 (MANE Select); coding-DNA position 796, A replaced by C.
Protein change: p.Asn266His; replaces asparagine 266 with histidine.
Molecular consequence: missense variant. On other transcripts: 3 prime UTR variant (2), non-coding transcript variant (7).
Genome position (GRCh38, 1-based): chr10:89,014,238, A>C. VCF-style: chr10-89014238-A-C. GRCh37 (hg19) VCF-style: chr10-90773995-A-C.
Other names: c.*119A>C (NM_001320619.2); c.841A>C, p.Asn281His (NM_001410956.1); c.733A>C, p.Asn245His (NM_152871.4); c.*108A>C (NM_152872.4); short protein forms N245H, N281H, N266H.
Identifiers: ClinVar variation 2170488 (VCV002170488.4), dbSNP rs2495225725, ClinGen allele CA377509831.

ClinVar aggregate classification (germline): Uncertain significance (1 of 4 stars; one submission).

Conditions:
Autoimmune lymphoproliferative syndrome type 1. Also called: AUTOIMMUNE LYMPHOPROLIFERATIVE SYNDROME, TYPE I, AUTOSOMAL DOMINANT. Identifiers: Orphanet 3261, MedGen C2717884, MONDO:0011158, OMIM 601859.

Allele frequency attached by ClinVar (database versions not stated): gnomAD exomes below 0.00001.
gnomAD v4.1: 4 of 1,614,018 alleles (0.00025%); highest among the groups gnomAD compares: Non-Finnish European, 0.00025%; no homozygotes.

Submission:

Labcorp Genetics (formerly Invitae), Labcorp
Classification: Uncertain significance for Autoimmune lymphoproliferative syndrome. Last evaluated: 2023-12-06. Review status: criteria provided, single submitter. Criteria: Invitae Variant Classification Sherloc (09022015). Collection method: clinical testing. Allele origin: germline.
Comment: This sequence change replaces asparagine, which is neutral and polar, with histidine, which is basic and polar, at codon 266 of the FAS protein (p.Asn266His). This variant is not present in population databases (gnomAD no frequency). This variant has not been reported in the literature in individuals affected with FAS-related conditions. ClinVar contains an entry for this variant (Variation ID: 2170488). Algorithms developed to predict the effect of missense changes on protein structure and function output the following: SIFT: "Not Available"; PolyPhen-2: "Benign"; Align-GVGD: "Not Available". The histidine amino acid residue is found in multiple mammalian species, which suggests that this missense change does not adversely affect protein function. In summary, the available evidence is currently insufficient to determine the role of this variant in disease. Therefore, it has been classified as a Variant of Uncertain Significance.